The following is an entry in ClinVar:

ClinVar aggregate classification (germline): Uncertain significance. Review status: criteria provided, multiple submitters, no conflicts (2 of 4 stars). 2 submissions from 2 submitters: Uncertain significance (2). Last evaluated 2025-11-22.

Conditions:
Hereditary cancer-predisposing syndrome. Also called: Hereditary neoplastic syndrome; Neoplastic Syndromes, Hereditary; Hereditary Cancer Syndrome; Tumor predisposition. Identifiers: Orphanet 140162, MedGen C0027672, MeSH D009386, MONDO:0015356.
Hereditary nonpolyposis colorectal neoplasms. Identifiers: MedGen C0009405, MeSH D003123.

Submissions (2):

Labcorp Genetics (formerly Invitae), Labcorp
Classification: Uncertain significance for Hereditary nonpolyposis colorectal neoplasms. Last evaluated: 2025-11-22. Review status: criteria provided, single submitter. Criteria: Invitae Variant Classification Sherloc (09022015). Collection method: clinical testing. Allele origin: germline.
Comment: This sequence change replaces glutamic acid, which is acidic and polar, with aspartic acid, which is acidic and polar, at codon 992 of the MSH6 protein (p.Glu992Asp). This variant is not present in population databases (gnomAD no frequency). This variant has not been reported in the literature in individuals affected with MSH6-related conditions. ClinVar contains an entry for this variant (Variation ID: 1487880). Invitae Evidence Modeling of protein sequence and biophysical properties (such as structural, functional, and spatial information, amino acid conservation, physicochemical variation, residue mobility, and thermodynamic stability) indicates that this missense variant is not expected to disrupt MSH6 protein function with a negative predictive value of 95%. In summary, the available evidence is currently insufficient to determine the role of this variant in disease. Therefore, it has been classified as a Variant of Uncertain Significance.

Ambry Genetics
Classification: Uncertain significance for Hereditary cancer-predisposing syndrome. Last evaluated: 2025-11-03. Review status: criteria provided, single submitter. Criteria: Ambry Variant Classification Scheme 2023. Collection method: clinical testing. Allele origin: germline.
Comment: The p.E992D variant (also known as c.2976A>C), located in coding exon 4 of the MSH6 gene, results from an A to C substitution at nucleotide position 2976. The glutamic acid at codon 992 is replaced by aspartic acid, an amino acid with highly similar properties. This amino acid position is well conserved in available vertebrate species. In addition, the in silico prediction for this alteration is inconclusive. Based on the available evidence, the clinical significance of this variant remains unclear.

NM_000179.3(MSH6):c.2976A>C (p.Glu992Asp)

Gene: MSH6 (mutS homolog 6; plus strand). Cytogenetic location: 2p16.3.
Variant type: single nucleotide variant.
Coding change: c.2976A>C on transcript NM_000179.3 (MANE Select); coding-DNA position 2976, A replaced by C.
Protein change: p.Glu992Asp; replaces glutamic acid 992 with aspartic acid.
Molecular consequence: missense variant.
Genome position (GRCh38, 1-based): chr2:47,800,959, A>C. VCF-style: chr2-47800959-A-C. GRCh37 (hg19) VCF-style: chr2-48028098-A-C.
Other names: c.2586A>C, p.Glu862Asp (NM_001281492.2); c.2070A>C, p.Glu690Asp (NM_001281493.2, NM_001281494.2); short protein forms E690D, E992D, E862D.
Identifiers: ClinVar variation 1487880 (VCV001487880.11), dbSNP rs761938225, ClinGen allele CA346756347.
Genomic context (GRCh38, chr2:47,800,959, plus strand): 5'-TGGTAGGAACCGTTACCAGCTGGAAATTCCTGAGAATTTCACCACTCGCAATTTGCCAGA[A>C]GAATACGAGTTGAAATCTACCAAGAAGGGCTGTAAACGATACTGGACCAAAACTATTGAA-3'
Protein context (NP_000170.1, residues 982-1002): PENFTTRNLP[Glu992Asp]EYELKSTKKG